The following is an entry in ClinVar:

ClinVar aggregate classification (germline): Pathogenic (1 of 4 stars; one submission).

Conditions:
Familial cancer of breast. Also called: hereditary breast carcinoma; Hereditary breast cancer; BREAST CANCER, FAMILIAL. Identifiers: Orphanet 227535, MedGen C0346153, MONDO:0016419, OMIM 114480. Disease mechanism: loss of function.

Submission:

Myriad Genetics, Inc.
Classification: Pathogenic for Familial cancer of breast. Last evaluated: 2023-03-28. Review status: criteria provided, single submitter. Criteria: Myriad Autosomal Dominant, Autosomal Recessive and X-Linked Classification Criteria (2023). Collection method: clinical testing. Allele origin: unknown.
Comment: This variant is considered pathogenic. This variant creates a frameshift predicted to result in premature protein truncation.

NM_007194.4(CHEK2):c.299del (p.Gln100fs)

Gene: CHEK2 (checkpoint kinase 2; minus strand). Cytogenetic location: 22q12.1.
Variant type: Deletion.
Coding change: c.299del on transcript NM_007194.4 (MANE Select); coding-DNA position 299, one base deleted (A; older notation c.299delA).
Protein change: p.Gln100fs; shifts the reading frame from glutamine 100.
Molecular consequence: frameshift variant.
Genome position (GRCh38, 1-based): chr22:28,734,423, T deleted on the plus strand (A on the coding strand, the reverse complement: CHEK2 is on the minus strand). VCF-style (leftmost placement, unchanged base first): chr22-28734422-CT-C. GRCh37 (hg19) VCF-style: chr22-29130410-CT-C.
Other names: c.299delA, p.Gln100Argfs (NM_001005735.3, NM_001349956.3, NM_145862.3); c.-479delA (NM_001257387.3); short protein forms Q100fs.
Identifiers: ClinVar variation 2573253 (VCV002573253.1), dbSNP rs2518126792, ClinGen allele CA2580615277.